The following is an entry in ClinVar:

ClinVar aggregate classification (germline): Conflicting classifications of pathogenicity. Review status: criteria provided, conflicting classifications (1 of 4 stars). 4 submissions from 4 submitters: Pathogenic (1); Likely pathogenic (1); Uncertain significance (2). Last evaluated 2025-12-08.

Conditions:
Hereditary cancer-predisposing syndrome. Also called: Hereditary Cancer Syndrome; Tumor predisposition; Hereditary neoplastic syndrome; Neoplastic Syndromes, Hereditary. Identifiers: Orphanet 140162, MedGen C0027672, MeSH D009386, MONDO:0015356.

Submissions (4):

Labcorp Genetics (formerly Invitae), Labcorp
Classification: Pathogenic. Last evaluated: 2025-12-08. Review status: criteria provided, single submitter. Criteria: Invitae Variant Classification Sherloc (09022015). Collection method: clinical testing. Allele origin: germline.
Comment: This sequence change creates a premature translational stop signal (p.Gln1494Glyfs*50) in the POLE gene. It is expected to result in an absent or disrupted protein product. Loss-of-function variants in POLE are known to be pathogenic (PMID: 23230001, 25948378, 30503519). This variant is not present in population databases (gnomAD no frequency). This variant has not been reported in the literature in individuals affected with POLE-related conditions. For these reasons, this variant has been classified as Pathogenic.

Ambry Genetics
Classification: Uncertain significance for Hereditary cancer-predisposing syndrome. Last evaluated: 2025-04-16. Review status: criteria provided, single submitter. Criteria: Ambry Variant Classification Scheme 2023. Collection method: clinical testing. Allele origin: germline.
Comment: The c.4480_4481delCA variant, located in coding exon 35 of the POLE gene, results from a deletion of two nucleotides at nucleotide positions 4480 to 4481, causing a translational frameshift with a predicted alternate stop codon (p.Q1494Gfs*50). This alteration is expected to result in loss of function by premature protein truncation or nonsense-mediated mRNA decay. Although biallelic loss of function of POLE has been associated with autosomal recessive POLE deficiency, haploinsufficiency of POLE has not been established as a mechanism of disease for POLE-related polymerase proofreading-associated polyposis (PPAP) and POLE-related CMMRD-like syndrome. Based on the supporting evidence, this variant is expected to be causative of POLE deficiency when present along with a second pathogenic variant on the other allele; however, its clinical significance for PPAP and POLE-related CMMRD-like syndrome is unclear.

GeneDx
Classification: Uncertain significance. Last evaluated: 2019-01-29. Review status: criteria provided, single submitter. Criteria: GeneDx Variant Classification Process June 2021. Collection method: clinical testing. Allele origin: germline. Affected: yes.
Comment: Not observed in large population cohorts (Lek et al., 2016); Has not been previously published as pathogenic or benign to our knowledge; The disease mechanism for POLE is not loss of function

CeGaT Center for Human Genetics Tuebingen
Classification: Likely pathogenic. Last evaluated: 2018-05-01. Review status: criteria provided, single submitter. Criteria: CeGaT Center For Human Genetics Tuebingen Variant Classification Criteria Version 2. Collection method: clinical testing. Allele origin: germline. Affected: yes. Observed: 1 variant allele.

Literature cited by the submitters: PubMed 23230001 (cited by Labcorp Genetics (formerly Invitae), Labcorp); PubMed 25948378 (cited by Labcorp Genetics (formerly Invitae), Labcorp); PubMed 30503519 (cited by Labcorp Genetics (formerly Invitae), Labcorp).

NM_006231.4(POLE):c.4480_4481del (p.Gln1494fs)

Gene: POLE (DNA polymerase epsilon, catalytic subunit; minus strand). Cytogenetic location: 12q24.33.
Variant type: Microsatellite.
Coding change: c.4480_4481del on transcript NM_006231.4 (MANE Select); coding-DNA positions 4480 to 4481, 2 bases deleted (CA; older notation c.4480_4481delCA).
Protein change: p.Gln1494fs; shifts the reading frame from glutamine 1494.
Molecular consequence: frameshift variant.
Genome position (GRCh38, 1-based): chr12:132,643,294-132,643,295, TG deleted on the plus strand (CA on the coding strand, the reverse complement: POLE is on the minus strand); deleting any 2 consecutive bases within chr12:132,643,294-132,643,297 gives the same sequence; the c. name uses the placement nearest the transcript's 3' end. VCF-style (leftmost placement, unchanged base first): chr12-132643293-CTG-C. GRCh37 (hg19) VCF-style: chr12-133219879-CTG-C.
Other names: c.4480_4481delCA (NM_006231.2); short protein forms Q1494fs.
Identifiers: ClinVar variation 623822 (VCV000623822.54), dbSNP rs1593733806, ClinGen allele CA913190543.